The following is an entry in ClinVar:

NM_000303.3(PMM2):c.52A>C (p.Thr18Pro)

Gene: PMM2 (phosphomannomutase 2; plus strand). Cytogenetic location: 16p13.2.
Variant type: single nucleotide variant.
Coding change: c.52A>C on transcript NM_000303.3 (MANE Select); coding-DNA position 52, A replaced by C.
Protein change: p.Thr18Pro; replaces threonine 18 with proline.
Molecular consequence: missense variant.
Genome position (GRCh38, 1-based): chr16:8,797,934, A>C. VCF-style: chr16-8797934-A-C. GRCh37 (hg19) VCF-style: chr16-8891791-A-C.
Other names: short protein forms T18P.
Identifiers: ClinVar variation 664093 (VCV000664093.13), dbSNP rs757040733, ClinGen allele CA7893857.

ClinVar aggregate classification (germline): Conflicting classifications of pathogenicity. Review status: criteria provided, conflicting classifications (1 of 4 stars). 5 submissions from 5 submitters: Likely pathogenic (2); Uncertain significance (2). 1 of the submissions does not count toward it. Last evaluated 2026-01-02.

Conditions:
PMM2-congenital disorder of glycosylation. Also called: CDG Ia; PMM2-CDG; JAEKEN SYNDROME; PHOSPHOMANNOMUTASE 2 DEFICIENCY; CARBOHYDRATE-DEFICIENT GLYCOPROTEIN SYNDROME, TYPE Ia; Congenital disorder of glycosylation, type Ia. Identifiers: Orphanet 79318, MedGen C0349653, MONDO:0008907, OMIM 212065.

Allele frequency attached by ClinVar (database versions not stated): gnomAD exomes 0.00001; TOPMed 0.00001; ExAC 0.00001; gnomAD 0.00001.

Submissions (5):

Myriad Genetics, Inc.
Classification: Uncertain significance for PMM2-congenital disorder of glycosylation. Last evaluated: 2026-01-02. Review status: criteria provided, single submitter. Criteria: Myriad Autosomal Dominant, Autosomal Recessive and X-Linked Classification Criteria (2023). Collection method: clinical testing. Allele origin: unknown.
Comment: NM_000303.2(PMM2):c.52A>C(T18P) is a missense variant classified as a variant of uncertain significance in the context of congenital disorder of glycosylation, PMM2-related. T18P has been observed in a case with relevant disease (PMID: 39923392). Relevant functional assessments of this variant are not available in the literature. T18P has been observed in referenced population frequency databases. In summary, there is insufficient evidence to classify NM_000303.2(PMM2):c.52A>C(T18P) as pathogenic or benign. Please note: this variant was assessed in the context of healthy population screening.

Women's Health and Genetics/Laboratory Corporation of America, LabCorp
Classification: Likely pathogenic for PMM2-congenital disorder of glycosylation. Last evaluated: 2025-06-13. Review status: criteria provided, single submitter. Criteria: LabCorp Variant Classification Summary - May 2015. Collection method: clinical testing. Allele origin: germline.
Comment: Variant summary: PMM2 c.52A>C (p.Thr18Pro) results in a non-conservative amino acid change in the encoded protein sequence. Algorithms developed to predict the effect of missense changes on protein structure and function are either unavailable or do not agree on the potential impact of this missense change. The variant allele was found at a frequency of 1.3e-05 in 230744 control chromosomes. c.52A>C has been observed in individual(s) affected with Congenital Disorder Of Glycosylation Type 1a (Alharbi_2025, LCG internal data). These data indicate that the variant is likely to be associated with disease. A different variant affecting the same codon has been classified as likely pathogenic/pathogenic by our lab (c.53C>G, p.Thr18Ser), supporting the critical relevance of codon 18 to PMM2 protein function. To our knowledge, no experimental evidence demonstrating an impact on protein function has been reported. The following publications have been ascertained in the context of this evaluation (PMID: 39923392). ClinVar contains an entry for this variant (Variation ID: 664093). Based on the evidence outlined above, the variant was classified as likely pathogenic.

Labcorp Genetics (formerly Invitae), Labcorp
Classification: Likely pathogenic for PMM2-congenital disorder of glycosylation. Last evaluated: 2025-06-08. Review status: criteria provided, single submitter. Criteria: Invitae Variant Classification Sherloc (09022015). Collection method: clinical testing. Allele origin: germline.
Comment: This sequence change replaces threonine, which is neutral and polar, with proline, which is neutral and non-polar, at codon 18 of the PMM2 protein (p.Thr18Pro). This variant is present in population databases (rs757040733, gnomAD 0.008%). This variant has not been reported in the literature in individuals affected with PMM2-related conditions. ClinVar contains an entry for this variant (Variation ID: 664093). Invitae Evidence Modeling of protein sequence and biophysical properties (such as structural, functional, and spatial information, amino acid conservation, physicochemical variation, residue mobility, and thermodynamic stability) indicates that this missense variant is expected to disrupt PMM2 protein function with a positive predictive value of 95%. This variant disrupts the p.Thr18 amino acid residue in PMM2. Other variant(s) that disrupt this residue have been determined to be pathogenic (PMID: 15844218, 16435227, 28139241). This suggests that this residue is clinically significant, and that variants that disrupt this residue are likely to be disease-causing. In summary, the currently available evidence indicates that the variant is pathogenic, but additional data are needed to prove that conclusively. Therefore, this variant has been classified as Likely Pathogenic.

Fulgent Genetics
Classification: Uncertain significance for PMM2-congenital disorder of glycosylation. Last evaluated: 2022-04-12. Review status: criteria provided, single submitter. Criteria: ACMG Guidelines, 2015. Collection method: clinical testing. Allele origin: unknown.

Natera, Inc.
Classification: Uncertain significance for Congenital disorder of glycosylation type 1a. Last evaluated: 2020-10-12. Review status: no assertion criteria provided. Collection method: clinical testing. Allele origin: germline. Not counted in ClinVar's aggregate classification.

Literature cited by the submitters: PubMed 39923392 (cited by Myriad Genetics, Inc. and Women's Health and Genetics/Laboratory Corporation of America, LabCorp); PubMed 15844218 (cited by Labcorp Genetics (formerly Invitae), Labcorp); PubMed 16435227 (cited by Labcorp Genetics (formerly Invitae), Labcorp); PubMed 28139241 (cited by Labcorp Genetics (formerly Invitae), Labcorp).